The following is an entry in ClinVar:

NM_130837.3(OPA1):c.2046A>C (p.Arg682Ser)

Gene: OPA1 (OPA1 mitochondrial dynamin like GTPase; plus strand). Cytogenetic location: 3q29.
Variant type: single nucleotide variant.
Coding change: c.2046A>C on transcript NM_130837.3 (MANE Select); coding-DNA position 2046, A replaced by C.
Protein change: p.Arg682Ser; replaces arginine 682 with serine.
Molecular consequence: missense variant.
Genome position (GRCh38, 1-based): chr3:193,654,895, A>C. VCF-style: chr3-193654895-A-C. GRCh37 (hg19) VCF-style: chr3-193372684-A-C.
Other names: c.1512A>C, p.Arg504Ser (NM_001354663.2); c.1509A>C, p.Arg503Ser (NM_001354664.2); c.1881A>C, p.Arg627Ser (NM_015560.3); c.1773A>C, p.Arg591Ser (NM_130831.3); c.1827A>C, p.Arg609Ser (NM_130832.3); c.1884A>C, p.Arg628Ser (NM_130833.3); c.1935A>C, p.Arg645Ser (NM_130834.3); c.1938A>C, p.Arg646Ser (NM_130835.3); and 1 more; short protein forms R628S, R664S, R504S, R591S, R682S, R609S, R646S, R503S.
Identifiers: ClinVar variation 2778708 (VCV002778708.3), dbSNP rs1713424756, ClinGen allele CA355791039.

ClinVar aggregate classification (germline): Uncertain significance (1 of 4 stars; one submission).

gnomAD v4.1: 2 of 1,613,976 alleles (0.00012%); highest among the groups gnomAD compares: Non-Finnish European, 0.000085%; no homozygotes.

Submission:

Labcorp Genetics (formerly Invitae), Labcorp
Classification: Uncertain significance. Last evaluated: 2022-12-27. Review status: criteria provided, single submitter. Criteria: Invitae Variant Classification Sherloc (09022015). Collection method: clinical testing. Allele origin: germline.
Comment: This variant is not present in population databases (gnomAD no frequency). This variant has not been reported in the literature in individuals affected with OPA1-related conditions. Advanced modeling of protein sequence and biophysical properties (such as structural, functional, and spatial information, amino acid conservation, physicochemical variation, residue mobility, and thermodynamic stability) performed at Invitae indicates that this missense variant is not expected to disrupt OPA1 protein function. In summary, the available evidence is currently insufficient to determine the role of this variant in disease. Therefore, it has been classified as a Variant of Uncertain Significance. This sequence change replaces arginine, which is basic and polar, with serine, which is neutral and polar, at codon 627 of the OPA1 protein (p.Arg627Ser).